The following is an entry in ClinVar:

NM_001276270.2(MBD4):c.1561C>T (p.Gln521Ter)

Gene: MBD4 (methyl-CpG binding domain 4, DNA glycosylase; minus strand). Cytogenetic location: 3q21.3.
Variant type: single nucleotide variant.
Coding change: c.1561C>T on transcript NM_001276270.2 (MANE Select); coding-DNA position 1561, C replaced by T.
Protein change: p.Gln521Ter; replaces glutamine 521 with a stop codon.
Molecular consequence: nonsense.
Genome position (GRCh38, 1-based): chr3:129,432,589, G>A on the plus strand (C>T on the coding strand, the complement: MBD4 is on the minus strand). VCF-style: chr3-129432589-G-A. GRCh37 (hg19) VCF-style: chr3-129151432-G-A.
Other names: c.1579C>T, p.Gln527Ter (NM_001276271.2, NM_001276272.2, NM_003925.3); c.625C>T, p.Gln209Ter (NM_001276273.2); short protein forms Q209*, Q521*, Q527*.
Identifiers: ClinVar variation 4052163 (VCV004052163.1).

ClinVar aggregate classification (germline): Pathogenic (1 of 4 stars; one submission).

Conditions:
Inborn genetic diseases. Identifiers: MedGen C0950123, MeSH D030342.

Submission:

Ambry Genetics
Classification: Pathogenic for Inborn genetic diseases. Last evaluated: 2025-03-27. Review status: criteria provided, single submitter. Criteria: Ambry Variant Classification Scheme 2023. Collection method: clinical testing. Allele origin: germline.
Comment: The p.Q521* pathogenic mutation (also known as c.1561C>T), located in coding exon 7 of the MBD4 gene, results from a C to T substitution at nucleotide position 1561. This changes the amino acid from a glutamine to a stop codon within coding exon 7. This variant is considered to be rare based on population cohorts in the Genome Aggregation Database (gnomAD). This alteration is expected to result in loss of function by premature protein truncation or nonsense-mediated mRNA decay. As such, this alteration is interpreted as a disease-causing mutation.